The following is an entry in ClinVar:

NM_018006.5(TRMU):c.705+1G>T

Gene: TRMU (tRNA mitochondrial 2-thiouridylase; plus strand). Cytogenetic location: 22q13.31.
Variant type: single nucleotide variant.
Coding change: c.705+1G>T on transcript NM_018006.5 (MANE Select); the canonical splice donor site of the intron after coding-DNA position 705, G replaced by T.
Molecular consequence: splice donor variant.
Genome position (GRCh38, 1-based): chr22:46,352,175, G>T. VCF-style: chr22-46352175-G-T. GRCh37 (hg19) VCF-style: chr22-46748072-G-T.
Other names: c.705+1G>T (NM_001282785.2); c.363+1G>T (NM_001282782.2); c.285+1G>T (NM_001282783.2, NM_001282784.2).
Identifiers: ClinVar variation 2000670 (VCV002000670.4), dbSNP rs2078449522, ClinGen allele CA411946229.
Genomic context (GRCh38, chr22:46,352,175, plus strand): 5'-TTTCAGAGCATGGGCATGTGTTTCATCGGGAAGAGGAATTTTGAACATTTCCTTCTTCAG[G>T]TGCGTGCTGCTCTTTGACACAAAGAGATGGGGCTGCGTGTCTGCCCTGGGCCTAGATCTC-3'

ClinVar aggregate classification (germline): Likely pathogenic (1 of 4 stars; one submission).

Submission:

Labcorp Genetics (formerly Invitae), Labcorp
Classification: Likely pathogenic. Last evaluated: 2022-05-29. Review status: criteria provided, single submitter. Criteria: Invitae Variant Classification Sherloc (09022015). Collection method: clinical testing. Allele origin: germline.
Comment: In summary, the currently available evidence indicates that the variant is pathogenic, but additional data are needed to prove that conclusively. Therefore, this variant has been classified as Likely Pathogenic. Algorithms developed to predict the effect of sequence changes on RNA splicing suggest that this variant may disrupt the consensus splice site. This variant has not been reported in the literature in individuals affected with TRMU-related conditions. This variant is not present in population databases (gnomAD no frequency). This sequence change affects a donor splice site in intron 6 of the TRMU gene. It is expected to disrupt RNA splicing. Variants that disrupt the donor or acceptor splice site typically lead to a loss of protein function (PMID: 16199547), and loss-of-function variants in TRMU are known to be pathogenic (PMID: 19732863, 23625533).

Literature cited by the submitters: PubMed 16199547; PubMed 19732863; PubMed 23625533.